The following is an entry in ClinVar:

NM_001034853.2(RPGR):c.2618_2632del (p.Glu873_Glu877del)

Gene: RPGR (retinitis pigmentosa GTPase regulator; minus strand). Cytogenetic location: Xp11.4.
Variant type: Deletion.
Coding change: c.2618_2632del on transcript NM_001034853.2 (MANE Select); coding-DNA positions 2618 to 2632, 15 bases deleted (AAGGAGAAGGGGAGG).
Protein change: p.Glu873_Glu877del.
Molecular consequence: inframe deletion. On other transcripts: intron variant (8).
Genome position (GRCh38, 1-based): chrX:38,286,367-38,286,381, CCTCCCCTTCTCCTT deleted on the plus strand (AAGGAGAAGGGGAGG on the coding strand, the reverse complement: RPGR is on the minus strand); deleting any 15 consecutive bases within chrX:38,286,367-38,286,392 gives the same sequence; the c. name uses the placement nearest the transcript's 3' end. VCF-style (leftmost placement, unchanged base first): chrX-38286366-CCCTCCCCTTCTCCTT-C. GRCh37 (hg19) VCF-style: chrX-38145619-CCCTCCCCTTCTCCTT-C.
Other names: c.1569+4578_1569+4592del (NM_001367249.1, NM_001367250.1); c.1902+713_1902+727del (NM_001367245.1); c.1386+4578_1386+4592del (NM_001367251.1); c.1719+713_1719+727del (NM_001367246.1); c.1572+4578_1572+4592del (NM_001367247.1); c.1905+713_1905+727del (NM_000328.3); c.1602+4578_1602+4592del (NM_001367248.1).
Identifiers: ClinVar variation 2039226 (VCV002039226.4), dbSNP rs2067166248, ClinGen allele CA640956321.

ClinVar aggregate classification (germline): Uncertain significance (1 of 4 stars; one submission).

Conditions:
Primary ciliary dyskinesia. Also called: Ciliary dyskinesia. Identifiers: Orphanet 244, MedGen C0008780, MONDO:0016575, HP:0012265.

Submission:

Labcorp Genetics (formerly Invitae), Labcorp
Classification: Uncertain significance for Primary ciliary dyskinesia. Last evaluated: 2021-12-09. Review status: criteria provided, single submitter. Criteria: Invitae Variant Classification Sherloc (09022015). Collection method: clinical testing. Allele origin: germline.
Comment: The frequency data for this variant in the population databases is considered unreliable, as metrics indicate poor data quality at this position in the gnomAD database. This variant, c.2618_2632del, results in the deletion of 5 amino acid(s) of the RPGR (ORF15) protein (p.Glu873_Glu877del), but otherwise preserves the integrity of the reading frame. In summary, the available evidence is currently insufficient to determine the role of this variant in disease. Therefore, it has been classified as a Variant of Uncertain Significance. Experimental studies and prediction algorithms are not available or were not evaluated, and the functional significance of this variant is currently unknown. This variant has not been reported in the literature in individuals affected with RPGR (ORF15)-related conditions.